The following is an entry in ClinVar:

ClinVar aggregate classification (germline): Likely pathogenic. Review status: criteria provided, single submitter (1 of 4 stars). 2 submissions from 2 submitters: Likely pathogenic (1). 1 of the submissions does not count toward it. Last evaluated 2024-06-21.

Conditions:
Pyknodysostosis. Also called: Pycnodysostosis. Identifiers: Orphanet 763, MedGen C0238402, MONDO:0009940, OMIM 265800.

Allele frequency attached by ClinVar (database versions not stated): TOPMed 0.00001; gnomAD 0.00003; ESP Exome Variant Server 0.00008.
gnomAD v4.1: 4 of 1,614,008 alleles (0.00025%); highest among the groups gnomAD compares: African/African-American, 0.004%; no homozygotes.

Submissions (2):

Women's Health and Genetics/Laboratory Corporation of America, LabCorp
Classification: Likely pathogenic for Pyknodysostosis. Last evaluated: 2024-06-21. Review status: criteria provided, single submitter. Criteria: LabCorp Variant Classification Summary - May 2015. Collection method: clinical testing. Allele origin: germline.
Comment: Variant summary: CTSK c.934C>G (p.Arg312Gly) results in a non-conservative amino acid change located in the C-terminal domian (IPR000668) of the encoded protein sequence. Five of five in-silico tools predict a damaging effect of the variant on protein function. The variant allele was found at a frequency of 4e-06 in 251470 control chromosomes (gnomAD). c.934C>G has been reported in the literature in individuals affected with Pyknodysostosis (e.g. Hou_1999, Fratzl-Zelman_2004). These data indicate that the variant is likely to be associated with disease. One of these reports also performed in vitro expression studies with the variant and found no detectable mature protein or enzyme activity ( Hou_1999). The following publications have been ascertained in the context of this evaluation (PMID: 10074491, 15070910). ClinVar contains an entry for this variant (Variation ID: 370960). Based on the evidence outlined above, the variant was classified as likely pathogenic.

Counsyl
Classification: Likely pathogenic for Pyknodysostosis. Last evaluated: 2016-05-24. Review status: no assertion criteria provided. Collection method: clinical testing. Allele origin: unknown. Not counted in ClinVar's aggregate classification.

Literature cited by the submitters: PubMed 15070910 (cited by Women's Health and Genetics/Laboratory Corporation of America, LabCorp and Counsyl); PubMed 10074491 (cited by Women's Health and Genetics/Laboratory Corporation of America, LabCorp and Counsyl).

NM_000396.4(CTSK):c.934C>G (p.Arg312Gly)

Gene: CTSK (cathepsin K; minus strand). Cytogenetic location: 1q21.3.
Variant type: single nucleotide variant.
Coding change: c.934C>G on transcript NM_000396.4 (MANE Select); coding-DNA position 934, C replaced by G.
Protein change: p.Arg312Gly; replaces arginine 312 with glycine.
Molecular consequence: missense variant.
Genome position (GRCh38, 1-based): chr1:150,796,855, G>C on the plus strand (C>G on the coding strand, the complement: CTSK is on the minus strand). VCF-style: chr1-150796855-G-C. GRCh37 (hg19) VCF-style: chr1-150769331-G-C.
Other names: short protein forms R312G.
Identifiers: ClinVar variation 370960 (VCV000370960.4), dbSNP rs375958814, ClinGen allele CA1080390.